The following is an entry in ClinVar:

NM_001127208.3(TET2):c.1414C>G (p.Pro472Ala)

Genes: TET2 (tet methylcytosine dioxygenase 2; plus strand), TET2-AS1 (TET2 antisense RNA 1; minus strand). Cytogenetic location: 4q24.
Variant type: single nucleotide variant.
Coding change: c.1414C>G on transcript NM_001127208.3 (MANE Select); coding-DNA position 1414, C replaced by G.
Protein change: p.Pro472Ala; replaces proline 472 with alanine.
Molecular consequence: missense variant.
Genome position (GRCh38, 1-based): chr4:105,235,356, C>G. VCF-style: chr4-105235356-C-G. GRCh37 (hg19) VCF-style: chr4-106156513-C-G.
Other names: c.1414C>G, p.Pro472Ala (NM_017628.4); short protein forms P472A.
Identifiers: ClinVar variation 4750214 (VCV004750214.1).

ClinVar aggregate classification (germline): Uncertain significance (1 of 4 stars; one submission).

gnomAD v4.1: 17 of 1,614,032 alleles (0.0011%); highest among the groups gnomAD compares: Non-Finnish European, 0.0014%; no homozygotes.

Submission:

Labcorp Genetics (formerly Invitae), Labcorp
Classification: Uncertain significance. Last evaluated: 2025-03-13. Review status: criteria provided, single submitter. Criteria: Invitae Variant Classification Sherloc (09022015). Collection method: clinical testing. Allele origin: germline.
Comment: This sequence change replaces proline, which is neutral and non-polar, with alanine, which is neutral and non-polar, at codon 472 of the TET2 protein (p.Pro472Ala). This variant is present in population databases (rs201255815, gnomAD 0.0009%). This variant has not been reported in the literature in individuals affected with TET2-related conditions. An algorithm developed to predict the effect of missense changes on protein structure and function outputs the following: PolyPhen-2: "Benign". The alanine amino acid residue is found in multiple mammalian species, which suggests that this missense change does not adversely affect protein function. In summary, the available evidence is currently insufficient to determine the role of this variant in disease. Therefore, it has been classified as a Variant of Uncertain Significance.